The following is an entry in ClinVar:

NM_000492.4:c.1210-34TG[12]T[6]

Gene: CFTR (CF transmembrane conductance regulator; plus strand).
Variant type: Variation.
Other names: c.1210-34TG[12]T[6] (NM_000492.4).
Identifiers: ClinVar variation 3900981 (VCV003900981.1).

ClinVar aggregate classification (germline): Uncertain significance (1 of 4 stars; one submission).

Submission:

Women's Health and Genetics/Laboratory Corporation of America, LabCorp
Classification: Uncertain significance. Last evaluated: 2025-03-07. Review status: criteria provided, single submitter. Criteria: LabCorp Variant Classification Summary - May 2015. Collection method: clinical testing. Allele origin: germline.
Comment: Variant summary: c.1210-34TG[12]T[6] has a polyT tract (6T) located at the junction of intron 8 and exon 9 and influences transcription processes, thereby reducing the amount of normal CFTR protein. It also has a TG-repeat polymorphisms (12TG) located at the 5' to the poly-T, which influences the penetrance of the polyT allele. Inheritance of decreased polythymidine tracts (such as 5T or 6T) in combindation with increased TG repeats (such as 13 TG) has been associated with a decreased expression of full length CFTR mRNA. 6T_TG13 was found in three Caucasian CBAVD patients who also carry a pathogenic CFTR variant (DeltaF508 or CFTRdele2(ins186)) on the other allele. UMD reports the fourth case with compound heterozygotes of 6T and p.Lys710X. c.6T is a rare variant in general Caucasian population, but relatively frequent in East Asian with an observed allele frequency of 0.00655 as estimated from literature above (see PbGP). CF incidence is estimated to be 1 in 100,000 in East Asians. Thus pathogenic CF variant allele frequency can be estimated as 0.0032. The frequency of compound heterozygotes of 6T and one pathogenic CF variant, adjusted for disease penetrance (estimated as 0.8) can be calculated as 0.000034 or 1 in 29819 (2x0.00655x0.0032x0.8), which is comparable to observed CBAVD disease prevalance (1 in 32000). In an unpublished study performed at our laboratory (not ascertained for ethnicity) in a cohort of 211 male patients referred for CBAVD, analyzed for 70 or 87 mutation CF panel (Jan 1997-Feb 2002), a 6T allele was not identified. Thus all lines of evidence point to the 6T allele as a rare allele. This evidence is consistent with the notion that variant 6T variant may be associated with CBAVD only when the male individual carries another pathogenic CF variant on the other allele. Although functional study of variant 6T is absent, evidence from four CBAVD patients with compound heterozygous 6T and pathogenic CF variants, and absence of such compound heterozygotes in general population would support the possiblity for a pathogenic role in CBAVD. Thus this variant has been classified as VUS - possibly pathogenic.

Literature cited by the submitters: PubMed 15070876; PubMed 15121783; PubMed 12952861; PubMed 17539902; PubMed 16212675; PubMed 22191729; PubMed 15562283; PubMed 23554779; PubMed 18350634.